The following is an entry in ClinVar:

NM_000059.4(BRCA2):c.5525C>G (p.Pro1842Arg)

Gene: BRCA2 (BRCA2 DNA repair associated; plus strand). Cytogenetic location: 13q13.1.
Variant type: single nucleotide variant.
Coding change: c.5525C>G on transcript NM_000059.4 (MANE Select); coding-DNA position 5525, C replaced by G.
Protein change: p.Pro1842Arg; replaces proline 1842 with arginine.
Molecular consequence: missense variant. On other transcripts: non-coding transcript variant (1), intron variant (2).
Genome position (GRCh38, 1-based): chr13:32,339,880, C>G. VCF-style: chr13-32339880-C-G. GRCh37 (hg19) VCF-style: chr13-32914017-C-G.
Other names: c.5525C>G, p.Pro1842Arg (NM_001406719.1, NM_001406720.1, NM_001432077.1); c.1910-4678C>G (NM_001406721.1); c.425-4678C>G (NM_001406722.1); short protein forms P1842R.
Identifiers: ClinVar variation 3482171 (VCV003482171.1).

ClinVar aggregate classification (germline): Uncertain significance (1 of 4 stars; one submission).

Conditions:
Hereditary cancer-predisposing syndrome. Also called: Tumor predisposition; Neoplastic Syndromes, Hereditary; Hereditary Cancer Syndrome; Hereditary neoplastic syndrome. Identifiers: Orphanet 140162, MedGen C0027672, MeSH D009386, MONDO:0015356.

Submission:

Ambry Genetics
Classification: Uncertain significance for Hereditary cancer-predisposing syndrome. Last evaluated: 2024-11-06. Review status: criteria provided, single submitter. Criteria: Ambry Variant Classification Scheme 2023. Collection method: clinical testing. Allele origin: germline.
Comment: The p.P1842R variant (also known as c.5525C>G), located in coding exon 10 of the BRCA2 gene, results from a C to G substitution at nucleotide position 5525. The proline at codon 1842 is replaced by arginine, an amino acid with dissimilar properties. This amino acid position is conserved. In addition, the in silico prediction for this alteration is inconclusive. Based on the available evidence, the clinical significance of this variant remains unclear.